The following is an entry in ClinVar:

NM_003738.5(PTCH2):c.2486_2487delinsTT (p.Asp829Val)

Gene: PTCH2 (patched 2; minus strand). Cytogenetic location: 1p34.1.
Variant type: Indel.
Coding change: c.2486_2487delinsTT on transcript NM_003738.5 (MANE Select); coding-DNA positions 2486 to 2487, AC replaced by TT.
Protein change: p.Asp829Val; replaces aspartic acid 829 with valine.
Molecular consequence: missense variant.
Genome position (GRCh38, 1-based): chr1:44,827,194-44,827,195, GT replaced by AA on the plus strand (AC replaced by TT on the coding strand, the reverse complement: PTCH2 is on the minus strand). VCF-style: chr1-44827194-GT-AA. GRCh37 (hg19) VCF-style: chr1-45292866-GT-AA.
Other names: c.2486_2487delinsTT, p.Asp829Val (NM_001166292.2); short protein forms D829V.
Identifiers: ClinVar variation 524504 (VCV000524504.7), dbSNP rs1553165053, ClinGen allele CA658795448.
Genomic context (GRCh38, chr1:44,827,194, plus strand): 5'-TGTACTAGTGGACCCCTCCAGCCCTCTCCCAACCTGGCTGAAATCCAGAGGCTCCTGGGC[GT>AA]CTCCAGTCTGGATGAGCAGCTTGTAGGCCAGGGCCCCATCCTCAGAGCCATTGCGGTACG-3'
Protein context (NP_003729.3, residues 819-839): LAYKLLIQTG[Asp829Val]AQEPLDFSQL

ClinVar aggregate classification (germline): Uncertain significance (1 of 4 stars; one submission).

Conditions:
Gorlin syndrome. Also called: Nevoid Basal Cell Carcinoma Syndrome; Basal cell nevus syndrome. Identifiers: Orphanet 377, MedGen C0004779, MONDO:0007187.

Submission:

Labcorp Genetics (formerly Invitae), Labcorp
Classification: Uncertain significance for Gorlin syndrome. Last evaluated: 2025-05-19. Review status: criteria provided, single submitter. Criteria: Invitae Variant Classification Sherloc (09022015). Collection method: clinical testing. Allele origin: germline.
Comment: This sequence change replaces aspartic acid, which is acidic and polar, with valine, which is neutral and non-polar, at codon 829 of the PTCH2 protein (p.Asp829Val). The frequency data for this variant in the population databases is considered unreliable, as metrics indicate poor data quality at this position in the gnomAD database. This variant has not been reported in the literature in individuals affected with PTCH2-related conditions. ClinVar contains an entry for this variant (Variation ID: 524504). An algorithm developed to predict the effect of missense changes on protein structure and function (PolyPhen-2) suggests that this variant is likely to be tolerated. In summary, the available evidence is currently insufficient to determine the role of this variant in disease. Therefore, it has been classified as a Variant of Uncertain Significance.